The following is an entry in ClinVar:

ClinVar aggregate classification (germline): Uncertain significance. Review status: criteria provided, multiple submitters, no conflicts (2 of 4 stars). 2 submissions from 2 submitters: Uncertain significance (2). Last evaluated 2022-08-02.

Conditions:
Inborn genetic diseases. Identifiers: MedGen C0950123, MeSH D030342.

Allele frequency attached by ClinVar (database versions not stated): TOPMed 0.00002.
gnomAD v4.1: 14 of 1,613,976 alleles (0.00087%); highest among the groups gnomAD compares: Middle Eastern, 0.016%; no homozygotes.

Submissions (2):

Ambry Genetics
Classification: Uncertain significance for Inborn genetic diseases. Last evaluated: 2022-08-02. Review status: criteria provided, single submitter. Criteria: Ambry Variant Classification Scheme 2023. Collection method: clinical testing. Allele origin: germline.

Labcorp Genetics (formerly Invitae), Labcorp
Classification: Uncertain significance. Last evaluated: 2021-02-07. Review status: criteria provided, single submitter. Criteria: Invitae Variant Classification Sherloc (09022015). Collection method: clinical testing. Allele origin: germline.
Comment: In summary, the available evidence is currently insufficient to determine the role of this variant in disease. Therefore, it has been classified as a Variant of Uncertain Significance. Algorithms developed to predict the effect of missense changes on protein structure and function are either unavailable or do not agree on the potential impact of this missense change (SIFT: "Deleterious"; PolyPhen-2: "Not Available"; Align-GVGD: "Class C0"). This variant has not been reported in the literature in individuals with ASXL2-related conditions. This variant is present in population databases (rs771641054, ExAC 0.009%). This sequence change replaces serine with glycine at codon 231 of the ASXL2 protein (p.Ser231Gly). The serine residue is moderately conserved and there is a small physicochemical difference between serine and glycine.

NM_018263.6(ASXL2):c.691A>G (p.Ser231Gly)

Gene: ASXL2 (ASXL transcriptional regulator 2; minus strand). Cytogenetic location: 2p23.3.
Variant type: single nucleotide variant.
Coding change: c.691A>G on transcript NM_018263.6 (MANE Select); coding-DNA position 691, A replaced by G.
Protein change: p.Ser231Gly; replaces serine 231 with glycine.
Molecular consequence: missense variant. On other transcripts: 5 prime UTR variant (1).
Genome position (GRCh38, 1-based): chr2:25,767,667, T>C on the plus strand (A>G on the coding strand, the complement: ASXL2 is on the minus strand). VCF-style: chr2-25767667-T-C. GRCh37 (hg19) VCF-style: chr2-25990536-T-C.
Other names: c.691A>G (NM_018263.4); c.517A>G, p.Ser173Gly (NM_001369346.1); c.-90A>G (NM_001369347.1); short protein forms S173G, S231G.
Identifiers: ClinVar variation 1502295 (VCV001502295.9), dbSNP rs771641054, ClinGen allele CA1557974.
Genomic context (GRCh38, chr2:25,767,667, plus strand): 5'-GGAATGACTTCTTCCCCAAGCCTAGTAAAGTATTTTCCACTTTAACTGAGGAAGAAAAGC[T>C]GGAGTTTGAGTTTTGAGGGCTGCCTGTCTGTCCATCAGATTGCTTTCCTTCCCATGTTGC-3'
Protein context (NP_060733.4, residues 221-241): QTGSPQNSNS[Ser231Gly]FSSSVKVENT